The following is an entry in ClinVar:

NM_000275.3(OCA2):c.619_636del (p.Leu207_Leu212del)

Gene: OCA2 (OCA2 melanosomal transmembrane protein; minus strand). Cytogenetic location: 15q13.1.
Variant type: Deletion.
Coding change: c.619_636del on transcript NM_000275.3 (MANE Select); coding-DNA positions 619 to 636, 18 bases deleted (TTGGCCTTATCACCGCTG).
Protein change: p.Leu207_Leu212del.
Molecular consequence: inframe deletion.
Genome position (GRCh38, 1-based): chr15:28,022,511-28,022,528, CAGCGGTGATAAGGCCAA deleted on the plus strand (TTGGCCTTATCACCGCTG on the coding strand, the reverse complement: OCA2 is on the minus strand); deleting any 18 consecutive bases within chr15:28,022,511-28,022,532 gives the same sequence; the c. name uses the placement nearest the transcript's 3' end. VCF-style (leftmost placement, unchanged base first): chr15-28022510-CCAGCGGTGATAAGGCCAA-C. GRCh37 (hg19) VCF-style: chr15-28267656-CCAGCGGTGATAAGGCCAA-C.
Other names: c.619_636delTTGGCCTTATCACCGCTG (NM_000275.2); c.619_636del18 (NM_000275.2); c.619_636del, p.Leu207_Leu212del (NM_001300984.2).
Identifiers: ClinVar variation 372713 (VCV000372713.69), dbSNP rs767489236, ClinGen allele CA7439405.

ClinVar aggregate classification (germline): Pathogenic/Likely pathogenic. Review status: criteria provided, multiple submitters, no conflicts (2 of 4 stars). 13 submissions from 13 submitters: Pathogenic (8); Likely pathogenic (5). Last evaluated 2026-04-09.

Conditions:
Tyrosinase-positive oculocutaneous albinism (OCA2). Also called: Albinism, oculocutaneous, type II; Oculocutaneous albinism type 2; ALBINISM II. Identifiers: Orphanet 79432, MedGen C0268495, MONDO:0008746, OMIM 203200.
SKIN/HAIR/EYE PIGMENTATION 1, BLUE/NONBLUE EYES (SHEP1). Also called: SKIN/HAIR/EYE PIGMENTATION 1, BLOND/BROWN HAIR; SKIN/HAIR/EYE PIGMENTATION 1, BLUE/BROWN EYES; BROWN EYE COLOR 2; EYE COLOR 3; EYE COLOR, BLUE/NONBLUE; EYE COLOR, BROWN/BLUE. Identifiers: MedGen C1856895, OMIM 227220.
OCA2-related disorder. Also called: OCA2-related condition.
Inborn genetic diseases. Identifiers: MedGen C0950123, MeSH D030342.

Submissions (13):

PreventionGenetics, part of Exact Sciences
Classification: Pathogenic for OCA2-related condition. Last evaluated: 2026-04-09. Review status: criteria provided, single submitter. Criteria: ACMG Guidelines, 2015. Collection method: clinical testing. Allele origin: germline.
Comment: The OCA2 c.619_636del18 variant is predicted to result in an in-frame deletion (p.Leu207_Leu212del). This variant has been reported in individuals with oculocutaneous albinism (reported as delta206-211 in Lee et al 1994. PubMed ID: 7874125; reported as 619del18bp in King et al. 2003. PubMed ID: 13680365). This variant is present in 0.080% of alleles in individuals of African descent in gnomAD. This variant has been classified as pathogenic or likely pathogenic by multiple independent submitters to the ClinVar database (Variation ID: 372713). Given all the evidence, we interpret this variant as pathogenic.

Labcorp Genetics (formerly Invitae), Labcorp
Classification: Pathogenic. Last evaluated: 2026-01-21. Review status: criteria provided, single submitter. Criteria: Invitae Variant Classification Sherloc (09022015). Collection method: clinical testing. Allele origin: germline.
Comment: This variant, c.619_636del, results in the deletion of 6 amino acid(s) of the OCA2 protein (p.Leu207_Leu212del), but otherwise preserves the integrity of the reading frame. This variant is present in population databases (rs767489236, gnomAD 0.08%). This variant has been observed in individual(s) with clinical features of oculocutaneous albinism (PMID: 7874125; internal data). In at least one individual the data is consistent with being in trans (on the opposite chromosome) from a pathogenic variant. This variant is also known as delta206-211. ClinVar contains an entry for this variant (Variation ID: 372713). This variant disrupts the p.Pro211 amino acid residue in OCA2. Other variant(s) that disrupt this residue have been determined to be pathogenic (PMID: 12713581, 31077556, 31813138). This suggests that this residue is clinically significant, and that variants that disrupt this residue are likely to be disease-causing. For these reasons, this variant has been classified as Pathogenic.

Ambry Genetics
Classification: Pathogenic for Inborn genetic diseases. Last evaluated: 2025-01-10. Review status: criteria provided, single submitter. Criteria: Ambry Variant Classification Scheme 2023. Collection method: clinical testing. Allele origin: germline.
Comment: The c.619_636del18 (p.L207_L212del) alteration is located in exon 6 (coding exon 5) of the OCA2 gene. This alteration consists of an in-frame deletion of 18 nucleotides between nucleotide positions c.619 and c.636, resulting in the deletion of 6 residues. Based on data from gnomAD, this allele has an overall frequency of 0.007078% (20/282550) total alleles studied. The highest observed frequency was 0.08030% (20/24908) of African/African American alleles. This variant has been identified in the homozygous and compound heterozygous state in multiple individuals with clinical features consistent with OCA2-related oculocutaneous albinism (Jackson, 2020; Chan, 2021; King, 2003). These amino acid positions are well conserved in available vertebrate species. This alteration is predicted to be deleterious by in silico analysis (Choi, 2012). Based on the available evidence, this alteration is classified as pathogenic.

Revvity Omics, Revvity
Classification: Pathogenic. Last evaluated: 2024-10-01. Review status: criteria provided, single submitter. Criteria: ACMG Guidelines, 2015. Collection method: clinical testing. Allele origin: germline.

Blueprint Genetics
Classification: Pathogenic for OCA2-related disorders. Last evaluated: 2024-07-25. Review status: criteria provided, single submitter. Criteria: ACMG Guidelines, 2015. Collection method: clinical testing. Allele origin: germline. Affected: yes. Observed: 5 variant alleles.

Baylor Genetics
Classification: Pathogenic for SKIN/HAIR/EYE PIGMENTATION 1, BLUE/NONBLUE EYES. Last evaluated: 2024-03-03. Review status: criteria provided, single submitter. Criteria: ACMG Guidelines, 2015. Collection method: clinical testing. Allele origin: unknown.

GeneDx
Classification: Pathogenic. Last evaluated: 2022-12-21. Review status: criteria provided, single submitter. Criteria: GeneDx Variant Classification Process June 2021. Collection method: clinical testing. Allele origin: germline. Affected: yes.
Comment: In-frame deletion of 6 amino acids in a non-repeat region predicted to critically alter the protein; In silico analysis supports a deleterious effect on protein structure/function; In silico analysis is inconclusive as to whether the variant alters gene splicing. In the absence of RNA/functional studies, the actual effect of this sequence change is unknown.; This variant is associated with the following publications: (PMID: 7874125, 23504663, 13680365, 32830442, 31589614, 33808351)

MGZ Medical Genetics Center
Classification: Likely pathogenic for Tyrosinase-positive oculocutaneous albinism. Last evaluated: 2022-07-12. Review status: criteria provided, single submitter. Criteria: ACMG Guidelines, 2015. Collection method: clinical testing. Allele origin: germline. Affected: yes. Observed: 1 variant allele.
Comment: ACMG criteria applied: PM3_STR, PM4, PS4_SUP, PM2_SUP, PP4

Fulgent Genetics
Classification: Likely pathogenic for Tyrosinase-positive oculocutaneous albinism; SKIN/HAIR/EYE PIGMENTATION 1, BLUE/NONBLUE EYES. Last evaluated: 2022-03-23. Review status: criteria provided, single submitter. Criteria: ACMG Guidelines, 2015. Collection method: clinical testing. Allele origin: unknown.

Genome-Nilou Lab
Classification: Likely pathogenic for Tyrosinase-positive oculocutaneous albinism. Last evaluated: 2021-11-07. Review status: criteria provided, single submitter. Criteria: ACMG Guidelines, 2015. Collection method: clinical testing. Allele origin: germline. Affected: no.

Genetic Services Laboratory, University of Chicago
Classification: Likely pathogenic. Last evaluated: 2021-06-14. Review status: criteria provided, single submitter. Criteria: ACMG Guidelines, 2015. Collection method: clinical testing. Allele origin: germline. Affected: yes.
Comment: DNA sequence analysis of the OCA2 gene demonstrated an 18 base pair deletion in exon 6, c.619_636del. This in-frame deletion is predicted to result in the deletion of a six amino acid residues, p.Leu207_Leu212del. This sequence change has previously been reported in individuals with oculocutaneous albinism in the homozygous and compound heterozygous state (PMID: 8302318, 32830442, 33808351). This sequence change is present at 0.08% in the African/African American sub population in gnomAD with no homozygotes being observed in gnomAD. Based on these evidences this variant is classified as likely pathogenic.

CeGaT Center for Human Genetics Tuebingen
Classification: Pathogenic. Last evaluated: 2018-07-01. Review status: criteria provided, single submitter. Criteria: CeGaT Center For Human Genetics Tuebingen Variant Classification Criteria Version 2. Collection method: clinical testing. Allele origin: germline. Affected: yes. Observed: 1 variant allele.

Eurofins Ntd Llc (ga)
Classification: Likely pathogenic. Last evaluated: 2016-12-16. Review status: criteria provided, single submitter. Criteria: EGL Classification Definitions 2015. Collection method: clinical testing. Allele origin: germline. Observed: 1 variant allele, 1 heterozygote.

Literature cited by the submitters: PubMed 7874125 (cited by Labcorp Genetics (formerly Invitae), Labcorp); PubMed 12713581 (cited by Labcorp Genetics (formerly Invitae), Labcorp); PubMed 31077556 (cited by Labcorp Genetics (formerly Invitae), Labcorp); PubMed 31813138 (cited by Labcorp Genetics (formerly Invitae), Labcorp); PubMed 13680365 (cited by Ambry Genetics); PubMed 32830442 (cited by Ambry Genetics); PubMed 33808351 (cited by Ambry Genetics).